The following is an entry in ClinVar:

NM_000231.3(SGCG):c.77T>C (p.Ile26Thr)

Gene: SGCG (sarcoglycan gamma; plus strand). Cytogenetic location: 13q12.12.
Variant type: single nucleotide variant.
Coding change: c.77T>C on transcript NM_000231.3 (MANE Select); coding-DNA position 77, T replaced by C.
Protein change: p.Ile26Thr; replaces isoleucine 26 with threonine.
Molecular consequence: missense variant.
Genome position (GRCh38, 1-based): chr13:23,203,771, T>C. VCF-style: chr13-23203771-T-C. GRCh37 (hg19) VCF-style: chr13-23777910-T-C.
Other names: c.131T>C, p.Ile44Thr (NM_001378244.1); c.77T>C, p.Ile26Thr (NM_001378245.1, NM_001378246.1); short protein forms I26T, I44T.
Identifiers: ClinVar variation 285596 (VCV000285596.9), dbSNP rs886043151, ClinGen allele CA10605173.

ClinVar aggregate classification (germline): Uncertain significance. Review status: criteria provided, multiple submitters, no conflicts (2 of 4 stars). 4 submissions from 4 submitters: Uncertain significance (3). 1 of the submissions does not count toward it. Last evaluated 2025-07-24.

Conditions:
Autosomal recessive limb-girdle muscular dystrophy type 2C (LGMDR5). Also called: MUSCULAR DYSTROPHY, DUCHENNE-LIKE; MUSCULAR DYSTROPHY, LIMB-GIRDLE, AUTOSOMAL RECESSIVE 5. Identifiers: Orphanet 353, MedGen C0410173, MONDO:0009677, OMIM 253700. Disease mechanism: Affects gamma-sarcoglycan and also disrupts the integrity of the entire sarcoglycan complex..
SGCG-related disorder. Also called: SGCG-related condition.

Allele frequency attached by ClinVar (database versions not stated): gnomAD exomes 0.00001 and 0.00002; TOPMed 0.00002.
gnomAD v4.1: 15 of 1,613,896 alleles (0.00093%); highest among the groups gnomAD compares: South Asian, 0.0077%; no homozygotes.

Submissions (4):

PreventionGenetics, part of Exact Sciences
Classification: Uncertain significance for SGCG-related condition. Last evaluated: 2025-07-24. Review status: criteria provided, single submitter. Criteria: ACMG Guidelines, 2015. Collection method: clinical testing. Allele origin: germline.
Comment: The SGCG c.77T>C variant is predicted to result in the amino acid substitution p.Ile26Thr. To our knowledge, this variant has not been reported in the literature. This variant is reported in 0.00088% of alleles in individuals of European (Non-Finnish) descent in gnomAD. At this time, the clinical significance of this variant is uncertain due to the absence of conclusive functional and genetic evidence.

Labcorp Genetics (formerly Invitae), Labcorp
Classification: Uncertain significance for Autosomal recessive limb-girdle muscular dystrophy type 2C. Last evaluated: 2021-09-01. Review status: criteria provided, single submitter. Criteria: Invitae Variant Classification Sherloc (09022015). Collection method: clinical testing. Allele origin: germline.
Comment: This sequence change replaces isoleucine with threonine at codon 26 of the SGCG protein (p.Ile26Thr). The isoleucine residue is highly conserved and there is a moderate physicochemical difference between isoleucine and threonine. This variant is not present in population databases (ExAC no frequency). This variant has not been reported in the literature in individuals affected with SGCG-related conditions. ClinVar contains an entry for this variant (Variation ID: 285596). Algorithms developed to predict the effect of missense changes on protein structure and function are either unavailable or do not agree on the potential impact of this missense change (SIFT: "Deleterious"; PolyPhen-2: "Probably Damaging"; Align-GVGD: "Class C0"). In summary, the available evidence is currently insufficient to determine the role of this variant in disease. Therefore, it has been classified as a Variant of Uncertain Significance.

Eurofins Ntd Llc (ga)
Classification: Uncertain significance. Last evaluated: 2016-02-01. Review status: criteria provided, single submitter. Criteria: EGL Classification Definitions 2015. Collection method: clinical testing. Allele origin: germline. Observed: 1 variant allele, 1 heterozygote.

Natera, Inc.
Classification: Uncertain significance for Limb-girdle muscular dystrophy type 2C. Last evaluated: 2020-09-16. Review status: no assertion criteria provided. Collection method: clinical testing. Allele origin: germline. Not counted in ClinVar's aggregate classification.